The following is an entry in ClinVar:

NM_001330078.2(NRXN1):c.1312C>G (p.Leu438Val)

Gene: NRXN1 (neurexin 1; minus strand). Cytogenetic location: 2p16.3.
Variant type: single nucleotide variant.
Coding change: c.1312C>G on transcript NM_001330078.2 (MANE Select); coding-DNA position 1312, C replaced by G.
Protein change: p.Leu438Val; replaces leucine 438 with valine.
Molecular consequence: missense variant.
Genome position (GRCh38, 1-based): chr2:50,620,030, G>C on the plus strand (C>G on the coding strand, the complement: NRXN1 is on the minus strand). VCF-style: chr2-50620030-G-C. GRCh37 (hg19) VCF-style: chr2-50847168-G-C.
Other names: c.1432C>G, p.Leu478Val (NM_001135659.3); c.1288C>G, p.Leu430Val (NM_001330077.2, NM_001330082.2, NM_001330095.2); c.1273C>G, p.Leu425Val (NM_001330083.2, NM_001330084.2); c.1312C>G, p.Leu438Val (NM_001330085.2, NM_001330086.2, NM_004801.6); c.1228C>G, p.Leu410Val (NM_001330087.2, NM_001330096.2); c.1258C>G, p.Leu420Val (NM_001330088.2); c.1309C>G, p.Leu437Val (NM_001330093.2); c.1300C>G, p.Leu434Val (NM_001330094.2); short protein forms L434V, L438V, L420V, L425V, L478V, L410V, L430V, L437V.
Identifiers: ClinVar variation 2053084 (VCV002053084.5), dbSNP rs192069355, ClinGen allele CA1655070.
Genomic context (GRCh38, chr2:50,620,030, plus strand): 5'-TGAAATGATGAGACCATGAATTAGGAATGATTCTGATGGCAACGATATTTACCTCTTTGA[G>C]ACAGCCCATAAAGTTGTTACTGACTGGTGACCCTGGAAGGTCGGCTGTGCTGGGACTGCC-3'
Protein context (NP_001317007.1, residues 428-448): SPVSNNFMGC[Leu438Val]KEVVYKNNDV

ClinVar aggregate classification (germline): Uncertain significance. Review status: criteria provided, multiple submitters, no conflicts (2 of 4 stars). 2 submissions from 2 submitters: Uncertain significance (2). Last evaluated 2023-03-21.

Conditions:
Pitt-Hopkins-like syndrome 2 (PTHSL2). Identifiers: Orphanet 221150, Orphanet 600663, MedGen C3280479, MONDO:0013690, OMIM 614325.

Allele frequency attached by ClinVar (database versions not stated): gnomAD 0.00001; gnomAD exomes 0.00001; ExAC 0.00002; TOPMed 0.00002; 1000 Genomes Project 30x 0.00016; 1000 Genomes Project 0.00020.
gnomAD v4.1: 5 of 1,599,174 alleles (0.00031%); highest among the groups gnomAD compares: East Asian, 0.009%; no homozygotes.

Submissions (2):

Blueprint Genetics
Classification: Uncertain significance. Last evaluated: 2023-03-21. Review status: criteria provided, single submitter. Criteria: ACMG Guidelines, 2015. Collection method: clinical testing. Allele origin: germline.

Labcorp Genetics (formerly Invitae), Labcorp
Classification: Uncertain significance for Pitt-Hopkins-like syndrome 2. Last evaluated: 2022-03-19. Review status: criteria provided, single submitter. Criteria: Invitae Variant Classification Sherloc (09022015). Collection method: clinical testing. Allele origin: germline.
Comment: Algorithms developed to predict the effect of missense changes on protein structure and function are either unavailable or do not agree on the potential impact of this missense change (SIFT: "Deleterious"; PolyPhen-2: "Probably Damaging"; Align-GVGD: "Class C0"). This variant has not been reported in the literature in individuals affected with NRXN1-related conditions. This variant is present in population databases (rs192069355, gnomAD 0.03%). This sequence change replaces leucine, which is neutral and non-polar, with valine, which is neutral and non-polar, at codon 478 of the NRXN1 protein (p.Leu478Val). In summary, the available evidence is currently insufficient to determine the role of this variant in disease. Therefore, it has been classified as a Variant of Uncertain Significance.